The following is an entry in ClinVar:

NM_203447.4(DOCK8):c.2784C>T (p.Ala928=)

Gene: DOCK8 (dedicator of cytokinesis 8; plus strand). Cytogenetic location: 9p24.3.
Variant type: single nucleotide variant.
Coding change: c.2784C>T on transcript NM_203447.4 (MANE Select); coding-DNA position 2784, C replaced by T.
Protein change: p.Ala928=; no amino-acid change (alanine 928 retained).
Molecular consequence: synonymous variant. On other transcripts: intron variant (1).
Genome position (GRCh38, 1-based): chr9:386,336, C>T. VCF-style: chr9-386336-C-T. GRCh37 (hg19) VCF-style: chr9-386336-C-T.
Other names: c.2580C>T, p.Ala860= (NM_001193536.2); c.2574+3651C>T (NM_001190458.2).
Identifiers: ClinVar variation 1582943 (VCV001582943.15), dbSNP rs375198959, ClinGen allele CA4958354.

ClinVar aggregate classification (germline): Likely benign. Review status: criteria provided, multiple submitters, no conflicts (2 of 4 stars). 2 submissions from 2 submitters: Likely benign (2). Last evaluated 2025-09-02.

Conditions:
Combined immunodeficiency due to DOCK8 deficiency (HIES2). Also called: DOCK8 Deficiency; HYPER-IgE SYNDROME 2, AUTOSOMAL RECESSIVE, WITH RECURRENT INFECTIONS; HIES autosomal recessive; Hyper-IgE recurrent infection syndrome, autosomal recessive; HYPER-IgE RECURRENT INFECTION SYNDROME 2, AUTOSOMAL RECESSIVE. Identifiers: Orphanet 217390, MedGen C4722305, MONDO:0009478, OMIM 243700.

Allele frequency attached by ClinVar (database versions not stated): TOPMed below 0.00001.
gnomAD v4.1: 8 of 1,613,490 alleles (0.0005%); highest among the groups gnomAD compares: South Asian, 0.0022%; no homozygotes.

Submissions (2):

Labcorp Genetics (formerly Invitae), Labcorp
Classification: Likely benign for Combined immunodeficiency due to DOCK8 deficiency. Last evaluated: 2025-09-02. Review status: criteria provided, single submitter. Criteria: Invitae Variant Classification Sherloc (09022015). Collection method: clinical testing. Allele origin: germline.

CeGaT Center for Human Genetics Tuebingen
Classification: Likely benign. Last evaluated: 2025-03-01. Review status: criteria provided, single submitter. Criteria: CeGaT Center For Human Genetics Tuebingen Variant Classification Criteria Version 2. Collection method: clinical testing. Allele origin: germline. Affected: yes. Observed: 1 variant allele.
Comment: DOCK8: BP4, BP7